The following is an entry in ClinVar:

NM_001322934.2(NFKB2):c.2184C>T (p.Phe728=)

Gene: NFKB2 (nuclear factor kappa B subunit 2; plus strand). Cytogenetic location: 10q24.32.
Variant type: single nucleotide variant.
Coding change: c.2184C>T on transcript NM_001322934.2 (MANE Select); coding-DNA position 2184, C replaced by T.
Protein change: p.Phe728=; no amino-acid change (phenylalanine 728 retained).
Molecular consequence: synonymous variant.
Genome position (GRCh38, 1-based): chr10:102,401,292, C>T. VCF-style: chr10-102401292-C-T. GRCh37 (hg19) VCF-style: chr10-104161049-C-T.
Other names: c.2184C>T, p.Phe728= (NM_001077493.1, NM_001077494.3, NM_001261403.3 and 2 more transcripts); c.2058C>T, p.Phe686= (NM_001322935.1).
Identifiers: ClinVar variation 3030910 (VCV003030910.3), dbSNP rs2061240413, ClinGen allele CA471245638.

ClinVar aggregate classification (germline): Likely benign. Review status: criteria provided, single submitter (1 of 4 stars). 2 submissions from 2 submitters: Likely benign (1). 1 of the submissions does not count toward it. Last evaluated 2025-11-25.

Conditions:
Immunodeficiency, common variable, 10. Also called: IMMUNODEFICIENCY, COMMON VARIABLE, WITH CENTRAL ADRENAL INSUFFICIENCY; DEFICIT IN ANTERIOR PITUITARY FUNCTION AND VARIABLE IMMUNODEFICIENCY. Identifiers: MedGen C3809991, MONDO:0014260, OMIM 615577.
NFKB2-related disorder. Also called: NFKB2-related condition.

Allele frequency attached by ClinVar (database versions not stated): TOPMed 0.00001.

Submissions (2):

Labcorp Genetics (formerly Invitae), Labcorp
Classification: Likely benign for Immunodeficiency, common variable, 10. Last evaluated: 2025-11-25. Review status: criteria provided, single submitter. Criteria: Invitae Variant Classification Sherloc (09022015). Collection method: clinical testing. Allele origin: germline.

PreventionGenetics, part of Exact Sciences
Classification: Likely benign for NFKB2-related condition. Last evaluated: 2020-11-23. Review status: no assertion criteria provided. Collection method: clinical testing. Allele origin: germline. Not counted in ClinVar's aggregate classification.
Comment: This variant is classified as likely benign based on ACMG/AMP sequence variant interpretation guidelines (Richards et al. 2015 PMID: 25741868, with internal and published modifications).